The following is an entry in ClinVar:

ClinVar aggregate classification (germline): Uncertain significance (1 of 4 stars; one submission).

Conditions:
Hereditary cancer-predisposing syndrome. Also called: Neoplastic Syndromes, Hereditary; Tumor predisposition; Hereditary neoplastic syndrome; Hereditary Cancer Syndrome. Identifiers: Orphanet 140162, MedGen C0027672, MeSH D009386, MONDO:0015356.

Submission:

Ambry Genetics
Classification: Uncertain significance for Hereditary cancer-predisposing syndrome. Last evaluated: 2023-02-26. Review status: criteria provided, single submitter. Criteria: Ambry Variant Classification Scheme 2023. Collection method: clinical testing. Allele origin: germline.
Comment: The p.S161T variant (also known as c.482G>C), located in coding exon 3 of the FLCN gene, results from a G to C substitution at nucleotide position 482. The serine at codon 161 is replaced by threonine, an amino acid with similar properties. This amino acid position is conserved. In addition, the in silico prediction for this alteration is inconclusive. Since supporting evidence is limited at this time, the clinical significance of this alteration remains unclear.

NM_144997.7(FLCN):c.482G>C (p.Ser161Thr)

Gene: FLCN (folliculin; minus strand). Cytogenetic location: 17p11.2.
Variant type: single nucleotide variant.
Coding change: c.482G>C on transcript NM_144997.7 (MANE Select); coding-DNA position 482, G replaced by C.
Protein change: p.Ser161Thr; replaces serine 161 with threonine.
Molecular consequence: missense variant.
Genome position (GRCh38, 1-based): chr17:17,224,058, C>G on the plus strand (G>C on the coding strand, the complement: FLCN is on the minus strand). VCF-style: chr17-17224058-C-G. GRCh37 (hg19) VCF-style: chr17-17127372-C-G.
Other names: c.536G>C, p.Ser179Thr (NM_001353229.2); c.482G>C, p.Ser161Thr (NM_001353230.2, NM_001353231.2, NM_144606.7); short protein forms S161T, S179T.
Identifiers: ClinVar variation 2451841 (VCV002451841.2), dbSNP rs760556162, ClinGen allele CA398534458.